The following is an entry in ClinVar:

ClinVar aggregate classification (germline): Conflicting classifications of pathogenicity. Review status: criteria provided, conflicting classifications (1 of 4 stars). 2 submissions from 2 submitters: Uncertain significance (1); Likely benign (1). Last evaluated 2022-09-27.

Allele frequency attached by ClinVar (database versions not stated): ExAC 0.00043; TOPMed 0.00062; ESP Exome Variant Server 0.00063; gnomAD 0.00062 and 0.00066.
gnomAD v4.1: 162 of 1,553,186 alleles (0.01%); highest among the groups gnomAD compares: African/African-American, 0.17%; no homozygotes.

Submissions (2):

Labcorp Genetics (formerly Invitae), Labcorp
Classification: Uncertain significance. Last evaluated: 2022-09-27. Review status: criteria provided, single submitter. Criteria: Invitae Variant Classification Sherloc (09022015). Collection method: clinical testing. Allele origin: germline.
Comment: This sequence change falls in intron 1 of the TRAPPC9 gene. It does not directly change the encoded amino acid sequence of the TRAPPC9 protein. It affects a nucleotide within the consensus splice site. This variant is present in population databases (rs376367358, gnomAD 0.1%). This variant has not been reported in the literature in individuals affected with TRAPPC9-related conditions. ClinVar contains an entry for this variant (Variation ID: 212424). Variants that disrupt the consensus splice site are a relatively common cause of aberrant splicing (PMID: 17576681, 9536098). Algorithms developed to predict the effect of sequence changes on RNA splicing suggest that this variant may disrupt the consensus splice site. In summary, the available evidence is currently insufficient to determine the role of this variant in disease. Therefore, it has been classified as a Variant of Uncertain Significance.

Genetic Services Laboratory, University of Chicago
Classification: Likely benign. Last evaluated: 2015-11-17. Review status: criteria provided, single submitter. Criteria: ACMG Guidelines, 2015. Collection method: clinical testing. Allele origin: germline. Affected: no.

Literature cited by the submitters: PubMed 17576681 (cited by Labcorp Genetics (formerly Invitae), Labcorp); PubMed 9536098 (cited by Labcorp Genetics (formerly Invitae), Labcorp).

NM_031466.8(TRAPPC9):c.-11+6C>T

Gene: TRAPPC9 (trafficking protein particle complex subunit 9; minus strand). Cytogenetic location: 8q24.3.
Variant type: single nucleotide variant.
Coding change: c.-11+6C>T on transcript NM_031466.8; 6 bases into the intron after 11 bases upstream of the start codon, C replaced by T.
Molecular consequence: intron variant.
Genome position (GRCh38, 1-based): chr8:140,458,275, G>A on the plus strand (C>T on the coding strand, the complement: TRAPPC9 is on the minus strand). VCF-style: chr8-140458275-G-A. GRCh37 (hg19) VCF-style: chr8-141468374-G-A.
Identifiers: ClinVar variation 212424 (VCV000212424.9), dbSNP rs376367358, ClinGen allele CA209689.
Genomic context (GRCh38, chr8:140,458,275, plus strand): 5'-GAGGAAAGCTTCTGCACCTGGGGCGGCGCAGCTGGAAGGAGGCCCAGTTCTGTCCCCGCC[G>A]CTTACCAGTCCTTCAGGGCGCGCAGCTCAAATTTCACTTCCTCTGTGAAGCTCAGGGGTG-3'